The following is an entry in ClinVar:

ClinVar aggregate classification (germline): Uncertain significance (1 of 4 stars; one submission).

Conditions:
Kufor-Rakeb syndrome (KRS). Also called: PARKINSON DISEASE 9, AUTOSOMAL RECESSIVE, JUVENILE-ONSET. Identifiers: Orphanet 306674, Orphanet 314632, MedGen C1847640, MONDO:0011706, OMIM 606693.
Autosomal recessive spastic paraplegia type 78. Identifiers: Orphanet 513436, MedGen C5567893, MONDO:0014975, OMIM 617225.

Allele frequency attached by ClinVar (database versions not stated): gnomAD exomes below 0.00001 and 0.00001; ExAC 0.00001; gnomAD 0.00001; TOPMed 0.00001.
gnomAD v4.1: 3 of 1,613,960 alleles (0.00019%); highest among the groups gnomAD compares: Admixed American, 0.0017%; no homozygotes.

Submission:

Labcorp Genetics (formerly Invitae), Labcorp
Classification: Uncertain significance for Kufor-Rakeb syndrome; Autosomal recessive spastic paraplegia type 78. Last evaluated: 2022-08-02. Review status: criteria provided, single submitter. Criteria: Invitae Variant Classification Sherloc (09022015). Collection method: clinical testing. Allele origin: germline.
Comment: This sequence change falls in intron 16 of the ATP13A2 gene. It does not directly change the encoded amino acid sequence of the ATP13A2 protein. It affects a nucleotide within the consensus splice site. This variant is present in population databases (rs780246274, gnomAD 0.003%). This variant has not been reported in the literature in individuals affected with ATP13A2-related conditions. ClinVar contains an entry for this variant (Variation ID: 1473177). Variants that disrupt the consensus splice site are a relatively common cause of aberrant splicing (PMID: 17576681, 9536098). Algorithms developed to predict the effect of sequence changes on RNA splicing suggest that this variant is not likely to affect RNA splicing. In summary, the available evidence is currently insufficient to determine the role of this variant in disease. Therefore, it has been classified as a Variant of Uncertain Significance.

Literature cited by the submitters: PubMed 17576681; PubMed 9536098.

NM_022089.4(ATP13A2):c.1750-3C>T

Gene: ATP13A2 (ATPase cation transporting 13A2; minus strand). Cytogenetic location: 1p36.13.
Variant type: single nucleotide variant.
Coding change: c.1750-3C>T on transcript NM_022089.4 (MANE Select); 3 bases into the intron before coding-DNA position 1750, C replaced by T.
Molecular consequence: intron variant.
Genome position (GRCh38, 1-based): chr1:16,992,584, G>A on the plus strand (C>T on the coding strand, the complement: ATP13A2 is on the minus strand). VCF-style: chr1-16992584-G-A. GRCh37 (hg19) VCF-style: chr1-17319079-G-A.
Other names: c.1735-3C>T (NM_001141974.3, NM_001141973.3).
Identifiers: ClinVar variation 1473177 (VCV001473177.5), dbSNP rs780246274, ClinGen allele CA637098.